The following is an entry in ClinVar:

ClinVar aggregate classification (germline): Likely benign. Review status: criteria provided, multiple submitters, no conflicts (2 of 4 stars). 3 submissions from 3 submitters: Likely benign (3). Last evaluated 2025-09-18.

Conditions:
Hereditary cancer-predisposing syndrome. Also called: Neoplastic Syndromes, Hereditary; Hereditary Cancer Syndrome; Tumor predisposition; Hereditary neoplastic syndrome. Identifiers: Orphanet 140162, MedGen C0027672, MeSH D009386, MONDO:0015356.
Ataxia-telangiectasia syndrome (AT). Also called: LOUIS-BAR SYNDROME; Cerebello-oculocutaneous telangiectasia; Immunodeficiency with ataxia telangiectasia; Ataxia-telangiectasia, complementation group D; AT, COMPLEMENTATION GROUP C; Ataxia-telangiectasia, complementation group E. Identifiers: Orphanet 100, MedGen C0004135, MONDO:0008840, OMIM 208900.

Allele frequency attached by ClinVar (database versions not stated): ExAC 0.00002; gnomAD 0.00001; TOPMed below 0.00001; gnomAD exomes 0.00001.
gnomAD v4.1: 12 of 1,609,596 alleles (0.00075%); highest among the groups gnomAD compares: African/African-American, 0.0013%; no homozygotes.

Submissions (3):

Labcorp Genetics (formerly Invitae), Labcorp
Classification: Likely benign for Ataxia-telangiectasia syndrome. Last evaluated: 2025-09-18. Review status: criteria provided, single submitter. Criteria: Invitae Variant Classification Sherloc (09022015). Collection method: clinical testing. Allele origin: germline.

Color Diagnostics, LLC DBA Color Health
Classification: Likely benign for Hereditary cancer-predisposing syndrome. Last evaluated: 2017-03-20. Review status: criteria provided, single submitter. Criteria: ACMG Guidelines, 2015. Collection method: clinical testing. Allele origin: germline.

GeneDx
Classification: Likely benign. Last evaluated: 2017-01-04. Review status: criteria provided, single submitter. Criteria: GeneDx Variant Classification (06012015). Collection method: clinical testing. Allele origin: germline. Affected: yes.
Comment: This variant is considered likely benign or benign based on one or more of the following criteria: it is a conservative change, it occurs at a poorly conserved position in the protein, it is predicted to be benign by multiple in silico algorithms, and/or has population frequency not consistent with disease.

NM_000051.4(ATM):c.7927+13T>A

Genes: ATM (ATM serine/threonine kinase; plus strand), C11orf65 (chromosome 11 open reading frame 65; minus strand). Cytogenetic location: 11q22.3.
Variant type: single nucleotide variant.
Coding change: c.7927+13T>A on transcript NM_000051.4 (MANE Select); 13 bases into the intron after coding-DNA position 7927, T replaced by A.
Molecular consequence: intron variant.
Genome position (GRCh38, 1-based): chr11:108,332,913, T>A. VCF-style: chr11-108332913-T-A. GRCh37 (hg19) VCF-style: chr11-108203640-T-A.
Other names: c.7927+13T>A (NM_001351834.2); c.641-23842A>T (NM_001330368.2); c.*38+2307A>T (NM_001351110.2).
Identifiers: ClinVar variation 386267 (VCV000386267.11), dbSNP rs748853277, ClinGen allele CA6266216.